The following is an entry in ClinVar:

ClinVar aggregate classification (germline): Uncertain significance (1 of 4 stars; one submission).

Submission:

Labcorp Genetics (formerly Invitae), Labcorp
Classification: Uncertain significance. Last evaluated: 2023-01-26. Review status: criteria provided, single submitter. Criteria: Invitae Variant Classification Sherloc (09022015). Collection method: clinical testing. Allele origin: germline.
Comment: Algorithms developed to predict the effect of missense changes on protein structure and function (SIFT, PolyPhen-2, Align-GVGD) all suggest that this variant is likely to be tolerated. This variant has not been reported in the literature in individuals affected with DLL1-related conditions. This variant is not present in population databases (gnomAD no frequency). This sequence change replaces arginine, which is basic and polar, with serine, which is neutral and polar, at codon 661 of the DLL1 protein (p.Arg661Ser). In summary, the available evidence is currently insufficient to determine the role of this variant in disease. Therefore, it has been classified as a Variant of Uncertain Significance.

NM_005618.4(DLL1):c.1981C>A (p.Arg661Ser)

Genes: DLL1 (delta like canonical Notch ligand 1; minus strand), LOC126859913 (P300/CBP strongly-dependent group 1 enhancer GRCh37_chr6:170591232-170592431; plus strand). Cytogenetic location: 6q27.
Variant type: single nucleotide variant.
Coding change: c.1981C>A on transcript NM_005618.4 (MANE Select); coding-DNA position 1981, C replaced by A.
Protein change: p.Arg661Ser; replaces arginine 661 with serine.
Molecular consequence: missense variant.
Genome position (GRCh38, 1-based): chr6:170,283,298, G>T on the plus strand (C>A on the coding strand, the complement: DLL1 is on the minus strand). VCF-style: chr6-170283298-G-T. GRCh37 (hg19) VCF-style: chr6-170592386-G-T.
Other names: short protein forms R661S.
Identifiers: ClinVar variation 2793353 (VCV002793353.3), dbSNP rs61757616, ClinGen allele CA366506144.